The following is an entry in ClinVar:

NC_000004.11:g.(?_103516029)_(103516158_?)del

Gene: NFKB1 (nuclear factor kappa B subunit 1; plus strand). Cytogenetic location: 4q24.
Variant type: Deletion.
Identifiers: ClinVar variation 3246730 (VCV003246730.1).

ClinVar aggregate classification (germline): Uncertain significance (1 of 4 stars; one submission).

Submission:

Labcorp Genetics (formerly Invitae), Labcorp
Classification: Uncertain significance. Last evaluated: 2023-08-30. Review status: criteria provided, single submitter. Criteria: Invitae Variant Classification Sherloc (09022015). Collection method: clinical testing. Allele origin: unknown.
Comment: Experimental studies and prediction algorithms are not available or were not evaluated, and the functional significance of this variant is currently unknown. This variant has not been reported in the literature in individuals affected with NFKB1-related conditions. This variant is a gross deletion of the genomic region encompassing exon(s) 13 of the NFKB1 gene. This variant would be expected to be in-frame, preserving the integrity of the reading frame. In summary, the available evidence is currently insufficient to determine the role of this variant in disease. Therefore, it has been classified as a Variant of Uncertain Significance.